The following is an entry in ClinVar:

NM_002439.5(MSH3):c.1334C>T (p.Ser445Phe)

Gene: MSH3 (mutS homolog 3; plus strand). Cytogenetic location: 5q14.1.
Variant type: single nucleotide variant.
Coding change: c.1334C>T on transcript NM_002439.5 (MANE Select); coding-DNA position 1334, C replaced by T.
Protein change: p.Ser445Phe; replaces serine 445 with phenylalanine.
Molecular consequence: missense variant.
Genome position (GRCh38, 1-based): chr5:80,679,087, C>T. VCF-style: chr5-80679087-C-T. GRCh37 (hg19) VCF-style: chr5-79974906-C-T.
Other names: c.1334C>T (NM_002439.3); short protein forms S445F.
Identifiers: ClinVar variation 2779680 (VCV002779680.4), dbSNP rs757763271, ClinGen allele CA3327860.

ClinVar aggregate classification (germline): Uncertain significance. Review status: criteria provided, multiple submitters, no conflicts (2 of 4 stars). 2 submissions from 2 submitters: Uncertain significance (2). Last evaluated 2025-07-29.

Conditions:
Hereditary cancer-predisposing syndrome. Also called: Neoplastic Syndromes, Hereditary; Tumor predisposition; Hereditary Cancer Syndrome; Hereditary neoplastic syndrome. Identifiers: Orphanet 140162, MedGen C0027672, MeSH D009386, MONDO:0015356.

Allele frequency attached by ClinVar (database versions not stated): gnomAD exomes below 0.00001; ExAC 0.00001.
gnomAD v4.1: 1 of 1,613,998 alleles (0.000062%); highest among the groups gnomAD compares: Non-Finnish European, 0.000085%; no homozygotes.

Submissions (2):

Ambry Genetics
Classification: Uncertain significance for Hereditary cancer-predisposing syndrome. Last evaluated: 2025-07-29. Review status: criteria provided, single submitter. Criteria: Ambry Variant Classification Scheme 2023. Collection method: clinical testing. Allele origin: germline.
Comment: The p.S445F variant (also known as c.1334C>T), located in coding exon 8 of the MSH3 gene, results from a C to T substitution at nucleotide position 1334. The serine at codon 445 is replaced by phenylalanine, an amino acid with highly dissimilar properties. This amino acid position is not well conserved in available vertebrate species. In addition, this alteration is predicted to be tolerated by in silico analysis. Based on the available evidence, the clinical significance of this variant remains unclear.

Labcorp Genetics (formerly Invitae), Labcorp
Classification: Uncertain significance. Last evaluated: 2023-07-26. Review status: criteria provided, single submitter. Criteria: Invitae Variant Classification Sherloc (09022015). Collection method: clinical testing. Allele origin: germline.
Comment: This sequence change replaces serine, which is neutral and polar, with phenylalanine, which is neutral and non-polar, at codon 445 of the MSH3 protein (p.Ser445Phe). This variant is present in population databases (rs757763271, gnomAD 0.0009%). This variant has not been reported in the literature in individuals affected with MSH3-related conditions. An algorithm developed to predict the effect of missense changes on protein structure and function (PolyPhen-2) suggests that this variant is likely to be tolerated. In summary, the available evidence is currently insufficient to determine the role of this variant in disease. Therefore, it has been classified as a Variant of Uncertain Significance.